The following is an entry in ClinVar:

NM_000751.3(CHRND):c.443G>A (p.Arg148His)

Gene: CHRND (cholinergic receptor nicotinic delta subunit; plus strand). Cytogenetic location: 2q37.1.
Variant type: single nucleotide variant.
Coding change: c.443G>A on transcript NM_000751.3 (MANE Select); coding-DNA position 443, G replaced by A.
Protein change: p.Arg148His; replaces arginine 148 with histidine.
Molecular consequence: missense variant.
Genome position (GRCh38, 1-based): chr2:232,528,590, G>A. VCF-style: chr2-232528590-G-A. GRCh37 (hg19) VCF-style: chr2-233393300-G-A.
Other names: c.398G>A, p.Arg133His (NM_001256657.2); c.172G>A, p.Ala58Thr (NM_001311195.2); c.140G>A, p.Arg47His (NM_001311196.2); c.443G>A (NM_000751.1); short protein forms R148H, A58T, R133H, R47H.
Identifiers: ClinVar variation 2068309 (VCV002068309.5), dbSNP rs774923538, ClinGen allele CA2168029.
Genomic context (GRCh38, chr2:232,528,590, plus strand): 5'-CCTGCAACGTGCTTGTCTACCACTACGGCTTCGTGTACTGGCTGCCACCTGCCATCTTCC[G>A]CTCCTCCTGCCCCATCTCTGTCACCTATTTCCCCTTCGACTGGCAGAACTGCTCCCTCAA-3'
Protein context (NP_000742.1, residues 138-158): FVYWLPPAIF[Arg148His]SSCPISVTYF

ClinVar aggregate classification (germline): Uncertain significance. Review status: criteria provided, multiple submitters, no conflicts (2 of 4 stars). 2 submissions from 2 submitters: Uncertain significance (2). Last evaluated 2025-08-29.

Conditions:
Inborn genetic diseases. Identifiers: MedGen C0950123, MeSH D030342.
Lethal multiple pterygium syndrome (LMPS). Identifiers: Orphanet 33108, MedGen C1854678, MONDO:0009668, OMIM 253290.

Allele frequency attached by ClinVar (database versions not stated): ExAC 0.00001; TOPMed 0.00002; gnomAD 0.00003.

Submissions (2):

Labcorp Genetics (formerly Invitae), Labcorp
Classification: Uncertain significance for Lethal multiple pterygium syndrome. Last evaluated: 2025-08-29. Review status: criteria provided, single submitter. Criteria: Invitae Variant Classification Sherloc (09022015). Collection method: clinical testing. Allele origin: germline.
Comment: This sequence change replaces arginine, which is basic and polar, with histidine, which is basic and polar, at codon 148 of the CHRND protein (p.Arg148His). This variant is present in population databases (rs774923538, gnomAD 0.0009%). This variant has not been reported in the literature in individuals affected with CHRND-related conditions. ClinVar contains an entry for this variant (Variation ID: 2068309). Invitae Evidence Modeling of protein sequence and biophysical properties (such as structural, functional, and spatial information, amino acid conservation, physicochemical variation, residue mobility, and thermodynamic stability) indicates that this missense variant is not expected to disrupt CHRND protein function with a negative predictive value of 95%. In summary, the available evidence is currently insufficient to determine the role of this variant in disease. Therefore, it has been classified as a Variant of Uncertain Significance.

Ambry Genetics
Classification: Uncertain significance for Inborn genetic diseases. Last evaluated: 2023-11-13. Review status: criteria provided, single submitter. Criteria: Ambry Variant Classification Scheme 2023. Collection method: clinical testing. Allele origin: germline.